The following is an entry in ClinVar:

NM_000443.4(ABCB4):c.2870G>A (p.Arg957Gln)

Gene: ABCB4 (ATP binding cassette subfamily B member 4; minus strand). Cytogenetic location: 7q21.12.
Variant type: single nucleotide variant.
Coding change: c.2870G>A on transcript NM_000443.4 (MANE Select); coding-DNA position 2870, G replaced by A.
Protein change: p.Arg957Gln; replaces arginine 957 with glutamine.
Molecular consequence: missense variant. On other transcripts: intron variant (1).
Genome position (GRCh38, 1-based): chr7:87,411,947, C>T on the plus strand (G>A on the coding strand, the complement: ABCB4 is on the minus strand). VCF-style: chr7-87411947-C-T. GRCh37 (hg19) VCF-style: chr7-87041263-C-T.
Other names: p.Arg957Gln; c.2870G>A, p.Arg957Gln (NM_018849.3); c.2783+1670G>A (NM_018850.3); short protein forms R957Q.
Identifiers: ClinVar variation 3379770 (VCV003379770.1).

ClinVar aggregate classification (germline): Uncertain significance (1 of 4 stars; one submission).

gnomAD v4.1: 7 of 1,613,746 alleles (0.00043%); highest among the groups gnomAD compares: Admixed American, 0.0033%; no homozygotes.

Submission:

Mayo Clinic Laboratories, Mayo Clinic
Classification: Uncertain significance. Last evaluated: 2024-08-05. Review status: criteria provided, single submitter. Criteria: ACMG Guidelines, 2015. Collection method: clinical testing. Allele origin: germline. Observed: 2 variant alleles.
Comment: PM2